The following is an entry in ClinVar:

ClinVar aggregate classification (germline): Benign. Review status: criteria provided, multiple submitters, no conflicts (2 of 4 stars). 3 submissions from 3 submitters: Benign (3). Last evaluated 2026-02-02.

Conditions:
Retinitis pigmentosa (RP). Identifiers: Orphanet 791, MedGen C0035334, MeSH D012174, MONDO:0019200, OMIM 268000. Inheritance: Autosomal dominant, autosomal recessive and X linked inheritance.

Allele frequency attached by ClinVar (database versions not stated): 1000 Genomes Project 0.03614; 1000 Genomes Project 30x 0.03810; ExAC 0.05006; gnomAD exomes 0.05070 and 0.05400; gnomAD 0.06075 and 0.06355; ESP Exome Variant Server 0.06113; TOPMed 0.06250.
gnomAD v4.1: 88,353 of 1,613,890 alleles (5.5%); highest among the groups gnomAD compares: Middle Eastern, 13%; 2,718 homozygotes.

Submissions (3):

Labcorp Genetics (formerly Invitae), Labcorp
Classification: Benign. Last evaluated: 2026-02-02. Review status: criteria provided, single submitter. Criteria: Invitae Variant Classification Sherloc (09022015). Collection method: clinical testing. Allele origin: germline.

Illumina Laboratory Services, Illumina
Classification: Benign for Retinitis pigmentosa. Last evaluated: 2018-01-12. Review status: criteria provided, single submitter. Criteria: ICSL Variant Classification Criteria 13 December 2019. Collection method: clinical testing. Allele origin: germline.
Comment: This variant was observed in the ICSL laboratory as part of a predisposition screen in an ostensibly healthy population. It had not been previously curated by ICSL or reported in the Human Gene Mutation Database (HGMD: prior to June 1st, 2018), and was therefore a candidate for classification through an automated scoring system. Utilizing variant allele frequency, disease prevalence and penetrance estimates, and inheritance mode, an automated score was calculated to assess if this variant is too frequent to cause the disease. Based on the score and internal cut-off values, a variant classified as benign is not then subjected to further curation. The score for this variant resulted in a classification of benign for this disease.

Breakthrough Genomics
Classification: Benign. Review status: criteria provided, single submitter. Criteria: ACMG Guidelines, 2015. Collection method: not provided. Allele origin: germline. Inheritance: Autosomal dominant inheritance. Affected: yes.

NM_012469.4(PRPF6):c.1209G>A (p.Ser403=)

Gene: PRPF6 (pre-mRNA processing factor 6; plus strand). Cytogenetic location: 20q13.33.
Variant type: single nucleotide variant.
Coding change: c.1209G>A on transcript NM_012469.4 (MANE Select); coding-DNA position 1209, G replaced by A.
Protein change: p.Ser403=; no amino-acid change (serine 403 retained).
Molecular consequence: synonymous variant.
Genome position (GRCh38, 1-based): chr20:64,010,222, G>A. VCF-style: chr20-64010222-G-A. GRCh37 (hg19) VCF-style: chr20-62641575-G-A.
Identifiers: ClinVar variation 339472 (VCV000339472.14), dbSNP rs2427588, ClinGen allele CA9972124.